The following is an entry in ClinVar:

ClinVar aggregate classification (germline): Uncertain significance (1 of 4 stars; one submission).

Allele frequency attached by ClinVar (database versions not stated): gnomAD exomes 0.00008 and 0.00002; TOPMed 0.00022; gnomAD 0.00024 and 0.00026; 1000 Genomes Project 30x 0.00031; 1000 Genomes Project 0.00040.

Submission:

Labcorp Genetics (formerly Invitae), Labcorp
Classification: Uncertain significance. Last evaluated: 2025-11-17. Review status: criteria provided, single submitter. Criteria: Invitae Variant Classification Sherloc (09022015). Collection method: clinical testing. Allele origin: germline.
Comment: This sequence change affects the initiator codon of the CARD8 mRNA. This change may impact translation initiation or efficiency. The next in-frame methionine is located at codon 226. This variant is present in population databases (rs571765227, gnomAD 0.09%), and has an allele count higher than expected for a pathogenic variant. This variant has not been reported in the literature in individuals affected with CARD8-related conditions. ClinVar contains an entry for this variant (Variation ID: 1383750). In summary, the available evidence is currently insufficient to determine the role of this variant in disease. Therefore, it has been classified as a Variant of Uncertain Significance.

NM_001184900.3(CARD8):c.3G>A (p.Met1Ile)

Gene: CARD8 (caspase recruitment domain family member 8; minus strand). Cytogenetic location: 19q13.33.
Variant type: single nucleotide variant.
Coding change: c.3G>A on transcript NM_001184900.3 (MANE Select); coding-DNA position 3, G replaced by A.
Protein change: p.Met1Ile; changes the start codon (methionine 1).
Molecular consequence: missense variant, initiator codon variant. On other transcripts: 5 prime UTR variant (7), non-coding transcript variant (4).
Genome position (GRCh38, 1-based): chr19:48,241,018, C>T on the plus strand (G>A on the coding strand, the complement: CARD8 is on the minus strand). VCF-style: chr19-48241018-C-T. GRCh37 (hg19) VCF-style: chr19-48744275-C-T.
Other names: c.3G>A, p.Met1Ile (NM_001184901.1, NM_001184902.2, NM_001184903.1 and 6 more transcripts); c.-122G>A (NM_001351784.2, NM_001351787.2, NM_001351791.2 and 2 more transcripts); c.-336G>A (NM_001351786.2); c.-200G>A (NM_001351790.2); short protein forms M1I.
Identifiers: ClinVar variation 1383750 (VCV001383750.5), dbSNP rs571765227, ClinGen allele CA309297734.